The following is an entry in ClinVar:

ClinVar aggregate classification (germline): Uncertain significance. Review status: criteria provided, multiple submitters, no conflicts (2 of 4 stars). 2 submissions from 2 submitters: Uncertain significance (2). Last evaluated 2026-01-17.

Conditions:
Familial thoracic aortic aneurysm and aortic dissection (TAAD). Also called: Thoracic aortic aneurysms and dissections. Identifiers: Orphanet 91387, MedGen C4707243, MONDO:0019625.
Ehlers-Danlos syndrome, classic type, 1 (EDSCL1). Also called: EHLERS-DANLOS SYNDROME, GRAVIS TYPE; EHLERS-DANLOS SYNDROME, SEVERE CLASSIC TYPE; Ehlers-Danlos syndrome, type 1; Ehlers-Danlos Syndrome, Classic Type, COL5A1-Related; EDS I. Identifiers: MedGen C0268335, MONDO:0019567, OMIM 130000.

gnomAD v4.1: 3 of 1,613,350 alleles (0.00019%); highest among the groups gnomAD compares: Admixed American, 0.0033%; no homozygotes.

Submissions (2):

Ambry Genetics
Classification: Uncertain significance for Familial thoracic aortic aneurysm and aortic dissection. Last evaluated: 2026-01-17. Review status: criteria provided, single submitter. Criteria: Ambry Variant Classification Scheme 2023. Collection method: clinical testing. Allele origin: germline.
Comment: The p.P726L variant (also known as c.2177C>T), located in coding exon 23 of the COL5A1 gene, results from a C to T substitution at nucleotide position 2177. The proline at codon 726 is replaced by leucine, an amino acid with similar properties. This amino acid position is conserved. In addition, the in silico prediction for this alteration is inconclusive. Based on the available evidence, the clinical significance of this variant remains unclear.

Labcorp Genetics (formerly Invitae), Labcorp
Classification: Uncertain significance for Ehlers-Danlos syndrome, classic type, 1. Last evaluated: 2025-09-09. Review status: criteria provided, single submitter. Criteria: Invitae Variant Classification Sherloc (09022015). Collection method: clinical testing. Allele origin: germline.
Comment: This sequence change replaces proline, which is neutral and non-polar, with leucine, which is neutral and non-polar, at codon 726 of the COL5A1 protein (p.Pro726Leu). This variant is not present in population databases (gnomAD no frequency). This variant has not been reported in the literature in individuals affected with COL5A1-related conditions. Invitae Evidence Modeling of protein sequence and biophysical properties (such as structural, functional, and spatial information, amino acid conservation, physicochemical variation, residue mobility, and thermodynamic stability) has been performed for this missense variant. However, the output from this modeling did not meet the statistical confidence thresholds required to predict the impact of this variant on COL5A1 protein function. In summary, the available evidence is currently insufficient to determine the role of this variant in disease. Therefore, it has been classified as a Variant of Uncertain Significance.

NM_000093.5(COL5A1):c.2177C>T (p.Pro726Leu)

Gene: COL5A1 (collagen type V alpha 1 chain; plus strand). Cytogenetic location: 9q34.3.
Variant type: single nucleotide variant.
Coding change: c.2177C>T on transcript NM_000093.5 (MANE Select); coding-DNA position 2177, C replaced by T.
Protein change: p.Pro726Leu; replaces proline 726 with leucine.
Molecular consequence: missense variant.
Genome position (GRCh38, 1-based): chr9:134,767,043, C>T. VCF-style: chr9-134767043-C-T. GRCh37 (hg19) VCF-style: chr9-137658889-C-T.
Other names: c.2177C>T, p.Pro726Leu (NM_001278074.1); c.2177C>T (NM_000093.3); short protein forms P726L.
Identifiers: ClinVar variation 4707565 (VCV004707565.2).